The following is an entry in ClinVar:

ClinVar aggregate classification (germline): Pathogenic/Likely pathogenic. Review status: criteria provided, multiple submitters, no conflicts (2 of 4 stars). 3 submissions from 3 submitters: Pathogenic (1); Likely pathogenic (2). Last evaluated 2025-08-08.

Conditions:
Usher syndrome type 1B (USH1B). Also called: Usher syndrome type IB. Identifiers: MedGen C1848638, MONDO:0700087.
Usher syndrome type 1 (USH1). Also called: RETINITIS PIGMENTOSA AND CONGENITAL DEAFNESS. Identifiers: Orphanet 231169, Orphanet 886, MedGen C1568247, MONDO:0010168, OMIM 276900.
Autosomal dominant nonsyndromic hearing loss 11. Identifiers: Orphanet 90635, MedGen C1832475, MONDO:0011032, OMIM 601317.
Autosomal recessive nonsyndromic hearing loss 2. Also called: DEAFNESS, AUTOSOMAL RECESSIVE 2; NEUROSENSORY NONSYNDROMIC RECESSIVE DEAFNESS 2. Identifiers: Orphanet 90636, MedGen C1838701, MONDO:0010807, OMIM 600060.

Submissions (3):

GeneDx
Classification: Pathogenic. Last evaluated: 2025-08-08. Review status: criteria provided, single submitter. Criteria: GeneDx Variant Classification Process June 2021. Collection method: clinical testing. Allele origin: germline. Affected: yes.
Comment: Frameshift variant predicted to result in protein truncation or nonsense mediated decay in a gene for which loss of function is a known mechanism of disease; Not observed at significant frequency in large population cohorts (gnomAD); Has not been previously published as pathogenic or benign to our knowledge

Natera, Inc.
Classification: Likely pathogenic for Usher syndrome type 1B. Last evaluated: 2024-12-26. Review status: criteria provided, single submitter. Criteria: Natera Variant Classification Schema (03/2026). Collection method: clinical testing. Allele origin: germline.
Comment: The c.1005_1012delinsTGCCAACAGCCCCTTGCTGCCTCCCCTGATGCTGTGCCCC variant in MYO7A is a frameshift variant predicted to shift the reading frame beginning at codon 336 and leads to a stop codon 37 codons downstream. This variant is expected to result in nonsense mediated decay, truncation, or a dysfunctional protein product. This variant is rare in the general population with a frequency below the threshold expected for the associated phenotype(s). Given the available evidence, this variant is classified as Likely Pathogenic.

Fulgent Genetics
Classification: Likely pathogenic for Usher syndrome type 1; Autosomal recessive nonsyndromic hearing loss 2; Autosomal dominant nonsyndromic hearing loss 11. Last evaluated: 2024-05-17. Review status: criteria provided, single submitter. Criteria: ACMG Guidelines, 2015. Collection method: clinical testing. Allele origin: germline.

NM_000260.4(MYO7A):c.1005_1012delinsTGCCAACAGCCCCTTGCTGCCTCCCCTGATGCTGTGCCCC (p.Arg336fs)

Gene: MYO7A (myosin VIIA; plus strand). Cytogenetic location: 11q13.5.
Variant type: Indel.
Coding change: c.1005_1012delinsTGCCAACAGCCCCTTGCTGCCTCCCCTGATGCTGTGCCCC on transcript NM_000260.4 (MANE Select); coding-DNA positions 1005 to 1012, the reference bases replaced by an inserted sequence.
Protein change: p.Arg336fs; shifts the reading frame from arginine 336.
Molecular consequence: frameshift variant.
Genome position (GRCh38, 1-based): chr11:77,159,448-77,159,455, 8 bases replaced. GRCh37 (hg19): chr11:76,870,494-76,870,501.
Other names: c.1005_1012delinsTGCCAACAGCCCCTTGCTGCCTCCCCTGATGCTGTGCCCC (NM_000260.3); c.1005_1012delinsTGCCAACAGCCCCTTGCTGCCTCCCCTGATGCTGTGCCCC, p.Arg336fs (NM_001127180.2); c.972_979delinsTGCCAACAGCCCCTTGCTGCCTCCCCTGATGCTGTGCCCC, p.Arg325fs (NM_001369365.1); short protein forms R325fs, R336fs.
Identifiers: ClinVar variation 3574009 (VCV003574009.3).